The following is an entry in ClinVar:

ClinVar aggregate classification (germline): Uncertain significance (1 of 4 stars; one submission).

Conditions:
Hereditary cancer-predisposing syndrome. Also called: Hereditary Cancer Syndrome; Tumor predisposition; Hereditary neoplastic syndrome; Neoplastic Syndromes, Hereditary. Identifiers: Orphanet 140162, MedGen C0027672, MeSH D009386, MONDO:0015356.

Submission:

Ambry Genetics
Classification: Uncertain significance for Hereditary cancer-predisposing syndrome. Last evaluated: 2024-06-07. Review status: criteria provided, single submitter. Criteria: Ambry Variant Classification Scheme 2023. Collection method: clinical testing. Allele origin: germline.
Comment: The p.V531L variant (also known as c.1591G>C), located in coding exon 7 of the BARD1 gene, results from a G to C substitution at nucleotide position 1591. The valine at codon 531 is replaced by leucine, an amino acid with highly similar properties. This amino acid position is conserved. In addition, the in silico prediction for this alteration is inconclusive. Based on the available evidence, the clinical significance of this variant remains unclear.

NM_000465.4(BARD1):c.1591G>C (p.Val531Leu)

Gene: BARD1 (BRCA1 associated RING domain 1; minus strand). Cytogenetic location: 2q35.
Variant type: single nucleotide variant.
Coding change: c.1591G>C on transcript NM_000465.4 (MANE Select); coding-DNA position 1591, G replaced by C.
Protein change: p.Val531Leu; replaces valine 531 with leucine.
Molecular consequence: missense variant. On other transcripts: non-coding transcript variant (3), intron variant (1).
Genome position (GRCh38, 1-based): chr2:214,752,533, C>G on the plus strand (G>C on the coding strand, the complement: BARD1 is on the minus strand). VCF-style: chr2-214752533-C-G. GRCh37 (hg19) VCF-style: chr2-215617257-C-G.
Other names: c.1534G>C, p.Val512Leu (NM_001282543.2); c.238G>C, p.Val80Leu (NM_001282545.2); c.181G>C, p.Val61Leu (NM_001282548.2); c.365-22025G>C (NM_001282549.2); short protein forms V80L, V512L, V531L, V61L.
Identifiers: ClinVar variation 3260451 (VCV003260451.1).